The following is an entry in ClinVar:

ClinVar aggregate classification (germline): Uncertain significance (1 of 4 stars; one submission).

Allele frequency attached by ClinVar (database versions not stated): gnomAD exomes below 0.00001; TOPMed 0.00001.
gnomAD v4.1: 1 of 1,613,814 alleles (0.000062%); highest among the groups gnomAD compares: Admixed American, 0.0017%; no homozygotes.

Submission:

Labcorp Genetics (formerly Invitae), Labcorp
Classification: Uncertain significance. Last evaluated: 2022-09-07. Review status: criteria provided, single submitter. Criteria: Invitae Variant Classification Sherloc (09022015). Collection method: clinical testing. Allele origin: germline.
Comment: This sequence change replaces glycine, which is neutral and non-polar, with valine, which is neutral and non-polar, at codon 22 of the FASTKD2 protein (p.Gly22Val). This variant is present in population databases (no rsID available, gnomAD 0.003%). This variant has not been reported in the literature in individuals affected with FASTKD2-related conditions. Algorithms developed to predict the effect of missense changes on protein structure and function are either unavailable or do not agree on the potential impact of this missense change (SIFT: "Tolerated"; PolyPhen-2: "Possibly Damaging"; Align-GVGD: "Class C0"). In summary, the available evidence is currently insufficient to determine the role of this variant in disease. Therefore, it has been classified as a Variant of Uncertain Significance.

NM_001136193.2(FASTKD2):c.65G>T (p.Gly22Val)

Gene: FASTKD2 (FAST kinase domains 2; plus strand). Cytogenetic location: 2q33.3.
Variant type: single nucleotide variant.
Coding change: c.65G>T on transcript NM_001136193.2 (MANE Select); coding-DNA position 65, G replaced by T.
Protein change: p.Gly22Val; replaces glycine 22 with valine.
Molecular consequence: missense variant.
Genome position (GRCh38, 1-based): chr2:206,766,758, G>T. VCF-style: chr2-206766758-G-T. GRCh37 (hg19) VCF-style: chr2-207631482-G-T.
Other names: c.65G>T, p.Gly22Val (NM_001136194.2, NM_014929.4); short protein forms G22V.
Identifiers: ClinVar variation 2025758 (VCV002025758.4), dbSNP rs1244715415, ClinGen allele CA350068055.